The following is an entry in ClinVar:

ClinVar aggregate classification (germline): Pathogenic/Likely pathogenic. Review status: criteria provided, multiple submitters, no conflicts (2 of 4 stars). 6 submissions from 6 submitters: Pathogenic (2); Likely pathogenic (3). 1 of the submissions does not count toward it. Last evaluated 2025-07-18.

Conditions:
Nephrotic syndrome. Identifiers: MedGen C0027726, MONDO:0005377, HP:0000100.
Finnish congenital nephrotic syndrome (NPHS1). Also called: NEPHROTIC SYNDROME, TYPE 1. Identifiers: Orphanet 839, MedGen C0403399, MONDO:0009732, OMIM 256300.

Allele frequency attached by ClinVar (database versions not stated): gnomAD exomes below 0.00001; gnomAD 0.00003; TOPMed 0.00005; ESP Exome Variant Server 0.00008.
gnomAD v4.1: 7 of 1,614,038 alleles (0.00043%); highest among the groups gnomAD compares: African/African-American, 0.008%; no homozygotes.

Submissions (6):

Women's Health and Genetics/Laboratory Corporation of America, LabCorp
Classification: Likely pathogenic for Finnish congenital nephrotic syndrome. Last evaluated: 2025-07-18. Review status: criteria provided, single submitter. Criteria: LabCorp Variant Classification Summary - May 2015. Collection method: clinical testing. Allele origin: germline.
Comment: Variant summary: NPHS1 c.2728T>C (p.Ser910Pro) results in a non-conservative amino acid change located in the Immunoglobulin subtype 2 domain (IPR003598) of the encoded protein sequence. Algorithms developed to predict the effect of missense changes on protein structure and function are either unavailable or do not agree on the potential impact of this missense change. The variant allele was found at a frequency of 4e-06 in 251340 control chromosomes. c.2728T>C has been observed as a biallelic genotype in individuals affected with features of Nephrotic Syndrome, Type 1 (e.g. Schoeb_2010, Sabi_2013, Sadowski_2015). These data indicate that the variant is likely to be associated with disease. To our knowledge, no experimental evidence demonstrating an impact on protein function has been reported. The following publications have been ascertained in the context of this evaluation (PMID: 24742477, 23932794, 25349199, 30295827, 20172850, 29127259). ClinVar contains an entry for this variant (Variation ID: 1065992). Based on the evidence outlined above, the variant was classified as likely pathogenic.

Labcorp Genetics (formerly Invitae), Labcorp
Classification: Pathogenic. Last evaluated: 2025-06-12. Review status: criteria provided, single submitter. Criteria: Invitae Variant Classification Sherloc (09022015). Collection method: clinical testing. Allele origin: germline.
Comment: This sequence change replaces serine, which is neutral and polar, with proline, which is neutral and non-polar, at codon 910 of the NPHS1 protein (p.Ser910Pro). This variant is not present in population databases (gnomAD no frequency). This missense change has been observed in individual(s) with nephrotic syndrome (PMID: 20172850, 23932794, 30295827). In at least one individual the data is consistent with being in trans (on the opposite chromosome) from a pathogenic variant. ClinVar contains an entry for this variant (Variation ID: 1065992). Invitae Evidence Modeling of protein sequence and biophysical properties (such as structural, functional, and spatial information, amino acid conservation, physicochemical variation, residue mobility, and thermodynamic stability) indicates that this missense variant is expected to disrupt NPHS1 protein function with a positive predictive value of 80%. For these reasons, this variant has been classified as Pathogenic.

Natera, Inc.
Classification: Likely pathogenic for Finnish congenital nephrotic syndrome. Last evaluated: 2024-06-03. Review status: criteria provided, single submitter. Criteria: Natera Variant Classification Schema (03/2026). Collection method: clinical testing. Allele origin: germline.
Comment: The c.2728T>C variant in NPHS1 is a missense variant predicted to cause substitution of serine to proline at amino acid 910. This variant is rare in the general population with a frequency below the threshold expected for the associated phenotype(s). This variant has been observed in one or more individuals affected with the associated recessive disease, as either homozygous or compound heterozygous with a second variant (PMID: 25349199, 20172850, 23932794). Computational prediction algorithms indicate this variant is likely to affect gene or protein function. Given the available evidence, this variant is classified as Likely Pathogenic.

Fulgent Genetics
Classification: Likely pathogenic for Finnish congenital nephrotic syndrome. Last evaluated: 2024-05-30. Review status: criteria provided, single submitter. Criteria: ACMG Guidelines, 2015. Collection method: clinical testing. Allele origin: germline.

Baylor Genetics
Classification: Pathogenic for Finnish congenital nephrotic syndrome. Last evaluated: 2023-04-15. Review status: criteria provided, single submitter. Criteria: ACMG Guidelines, 2015. Collection method: clinical testing. Allele origin: unknown.

Yale Center for Mendelian Genomics, Yale University
Classification: Likely pathogenic for Nephrotic syndrome. Last evaluated: 2017-11-10. Review status: no assertion criteria provided. Collection method: literature only. Allele origin: germline. Affected: yes. Observed: 1 homozygote. Study: Yale Center for Mendelian Genomics. Not counted in ClinVar's aggregate classification.

Literature cited by the submitters: PubMed 25349199 (cited by Women's Health and Genetics/Laboratory Corporation of America, LabCorp and Natera, Inc.); PubMed 24742477 (cited by Women's Health and Genetics/Laboratory Corporation of America, LabCorp); PubMed 20172850 (cited by 3 submitters); PubMed 29127259 (cited by Women's Health and Genetics/Laboratory Corporation of America, LabCorp and Yale Center for Mendelian Genomics, Yale University); PubMed 30295827 (cited by Women's Health and Genetics/Laboratory Corporation of America, LabCorp and Labcorp Genetics (formerly Invitae), Labcorp); PubMed 23932794 (cited by 3 submitters).

NM_004646.4(NPHS1):c.2728T>C (p.Ser910Pro)

Gene: NPHS1 (NPHS1 adhesion molecule, nephrin; minus strand). Cytogenetic location: 19q13.12.
Variant type: single nucleotide variant.
Coding change: c.2728T>C on transcript NM_004646.4 (MANE Select); coding-DNA position 2728, T replaced by C.
Protein change: p.Ser910Pro; replaces serine 910 with proline.
Molecular consequence: missense variant.
Genome position (GRCh38, 1-based): chr19:35,841,802, A>G on the plus strand (T>C on the coding strand, the complement: NPHS1 is on the minus strand). VCF-style: chr19-35841802-A-G. GRCh37 (hg19) VCF-style: chr19-36332704-A-G.
Other names: short protein forms S910P.
Identifiers: ClinVar variation 1065992 (VCV001065992.16), dbSNP rs143649022, ClinGen allele CA307781932.